The following is an entry in ClinVar:

ClinVar aggregate classification (germline): Uncertain significance. Review status: criteria provided, multiple submitters, no conflicts (2 of 4 stars). 2 submissions from 2 submitters: Uncertain significance (2). Last evaluated 2022-10-25.

Conditions:
Cardiovascular phenotype. Identifiers: MedGen CN230736.
Alstrom syndrome (ALMS). Identifiers: Orphanet 64, MedGen C0268425, MONDO:0008763, OMIM 203800.

Allele frequency attached by ClinVar (database versions not stated): gnomAD exomes below 0.00001; TOPMed 0.00001; gnomAD 0.00002.
gnomAD v4.1: 4 of 1,613,966 alleles (0.00025%); highest among the groups gnomAD compares: African/African-American, 0.004%; no homozygotes.

Submissions (2):

Ambry Genetics
Classification: Uncertain significance for Cardiovascular phenotype. Last evaluated: 2022-10-25. Review status: criteria provided, single submitter. Criteria: Ambry Variant Classification Scheme 2023. Collection method: clinical testing. Allele origin: germline.
Comment: The p.F1107L variant (also known as c.3321C>G), located in coding exon 8 of the ALMS1 gene, results from a C to G substitution at nucleotide position 3321. The phenylalanine at codon 1107 is replaced by leucine, an amino acid with highly similar properties. This amino acid position is poorly conserved in available vertebrate species. In addition, this alteration is predicted to be tolerated by in silico analysis. Since supporting evidence is limited at this time, the clinical significance of this alteration remains unclear.

Labcorp Genetics (formerly Invitae), Labcorp
Classification: Uncertain significance for Alstrom syndrome. Last evaluated: 2022-08-22. Review status: criteria provided, single submitter. Criteria: Invitae Variant Classification Sherloc (09022015). Collection method: clinical testing. Allele origin: germline.
Comment: In summary, the available evidence is currently insufficient to determine the role of this variant in disease. Therefore, it has been classified as a Variant of Uncertain Significance. Experimental studies and prediction algorithms are not available or were not evaluated, and the functional significance of this variant is currently unknown. ClinVar contains an entry for this variant (Variation ID: 1465752). This variant has not been reported in the literature in individuals affected with ALMS1-related conditions. This variant is present in population databases (no rsID available, gnomAD 0.007%). This sequence change replaces phenylalanine with leucine at codon 1107 of the ALMS1 protein (p.Phe1107Leu). The phenylalanine residue is weakly conserved and there is a small physicochemical difference between phenylalanine and leucine.

NM_001378454.1(ALMS1):c.3318C>G (p.Phe1106Leu)

Gene: ALMS1 (ALMS1 centrosome and basal body associated protein; plus strand). Cytogenetic location: 2p13.1.
Variant type: single nucleotide variant.
Coding change: c.3318C>G on transcript NM_001378454.1 (MANE Select); coding-DNA position 3318, C replaced by G.
Protein change: p.Phe1106Leu; replaces phenylalanine 1106 with leucine.
Molecular consequence: missense variant.
Genome position (GRCh38, 1-based): chr2:73,449,845, C>G. VCF-style: chr2-73449845-C-G. GRCh37 (hg19) VCF-style: chr2-73676972-C-G.
Other names: c.3321C>G, p.Phe1107Leu (NM_015120.4); short protein forms F1106L, F1107L.
Identifiers: ClinVar variation 1465752 (VCV001465752.8), dbSNP rs1044966122, ClinGen allele CA50392401.